The following is an entry in ClinVar:

NM_014000.3(VCL):c.1877T>C (p.Phe626Ser)

Gene: VCL (vinculin; plus strand). Cytogenetic location: 10q22.2.
Variant type: single nucleotide variant.
Coding change: c.1877T>C on transcript NM_014000.3 (MANE Select); coding-DNA position 1877, T replaced by C.
Protein change: p.Phe626Ser; replaces phenylalanine 626 with serine.
Molecular consequence: missense variant.
Genome position (GRCh38, 1-based): chr10:74,100,952, T>C. VCF-style: chr10-74100952-T-C. GRCh37 (hg19) VCF-style: chr10-75860710-T-C.
Other names: c.1877T>C, p.Phe626Ser (NM_003373.4); short protein forms F626S.
Identifiers: ClinVar variation 1964973 (VCV001964973.7), dbSNP rs2549229657, ClinGen allele CA377277331.

ClinVar aggregate classification (germline): Uncertain significance. Review status: criteria provided, multiple submitters, no conflicts (2 of 4 stars). 2 submissions from 2 submitters: Uncertain significance (2). Last evaluated 2023-04-07.

Conditions:
Cardiovascular phenotype. Identifiers: MedGen CN230736.
Dilated cardiomyopathy 1W (CMD1W). Identifiers: Orphanet 154, MedGen C1969639, MONDO:0012667, OMIM 611407.

Allele frequency attached by ClinVar (database versions not stated): gnomAD exomes below 0.00001.
gnomAD v4.1: 5 of 1,614,028 alleles (0.00031%); highest among the groups gnomAD compares: Non-Finnish European, 0.00034%; no homozygotes.

Submissions (2):

Ambry Genetics
Classification: Uncertain significance for Cardiovascular phenotype. Last evaluated: 2023-04-07. Review status: criteria provided, single submitter. Criteria: Ambry Variant Classification Scheme 2023. Collection method: clinical testing. Allele origin: germline.
Comment: The p.F626S variant (also known as c.1877T>C), located in coding exon 14 of the VCL gene, results from a T to C substitution at nucleotide position 1877. The phenylalanine at codon 626 is replaced by serine, an amino acid with highly dissimilar properties. This amino acid position is conserved. In addition, this alteration is predicted to be deleterious by in silico analysis. Since supporting evidence is limited at this time, the clinical significance of this alteration remains unclear.

Labcorp Genetics (formerly Invitae), Labcorp
Classification: Uncertain significance for Dilated cardiomyopathy 1W. Last evaluated: 2022-06-09. Review status: criteria provided, single submitter. Criteria: Invitae Variant Classification Sherloc (09022015). Collection method: clinical testing. Allele origin: germline.
Comment: In summary, the available evidence is currently insufficient to determine the role of this variant in disease. Therefore, it has been classified as a Variant of Uncertain Significance. Algorithms developed to predict the effect of missense changes on protein structure and function are either unavailable or do not agree on the potential impact of this missense change (SIFT: "Not Available"; PolyPhen-2: "Probably Damaging"; Align-GVGD: "Not Available"). This variant has not been reported in the literature in individuals affected with VCL-related conditions. This variant is not present in population databases (gnomAD no frequency). This sequence change replaces phenylalanine, which is neutral and non-polar, with serine, which is neutral and polar, at codon 626 of the VCL protein (p.Phe626Ser).